The following is an entry in ClinVar:

ClinVar aggregate classification (germline): Likely pathogenic (1 of 4 stars; one submission).

Conditions:
Lethal multiple pterygium syndrome (LMPS). Identifiers: Orphanet 33108, MedGen C1854678, MONDO:0009668, OMIM 253290.

Submission:

Labcorp Genetics (formerly Invitae), Labcorp
Classification: Likely pathogenic for Lethal multiple pterygium syndrome. Last evaluated: 2022-11-14. Review status: criteria provided, single submitter. Criteria: Invitae Variant Classification Sherloc (09022015). Collection method: clinical testing. Allele origin: germline.
Comment: This sequence change affects a donor splice site in intron 6 of the CHRNA1 gene. It is expected to disrupt RNA splicing. Variants that disrupt the donor or acceptor splice site typically lead to a loss of protein function (PMID: 16199547), and loss-of-function variants in CHRNA1 are known to be pathogenic (PMID: 14719537, 15907919, 18252226). This variant is not present in population databases (gnomAD no frequency). This variant has not been reported in the literature in individuals affected with CHRNA1-related conditions. Algorithms developed to predict the effect of sequence changes on RNA splicing suggest that this variant may disrupt the consensus splice site. In summary, the currently available evidence indicates that the variant is pathogenic, but additional data are needed to prove that conclusively. Therefore, this variant has been classified as Likely Pathogenic.

Literature cited by the submitters: PubMed 16199547; PubMed 14719537; PubMed 15907919; PubMed 18252226.

NM_000079.4(CHRNA1):c.778+2T>A

Gene: CHRNA1 (cholinergic receptor nicotinic alpha 1 subunit; minus strand). Cytogenetic location: 2q31.1.
Variant type: single nucleotide variant.
Coding change: c.778+2T>A on transcript NM_000079.4 (MANE Select); the canonical splice donor site of the intron after coding-DNA position 778, T replaced by A.
Molecular consequence: splice donor variant.
Genome position (GRCh38, 1-based): chr2:174,753,501, A>T on the plus strand (T>A on the coding strand, the complement: CHRNA1 is on the minus strand). VCF-style: chr2-174753501-A-T. GRCh37 (hg19) VCF-style: chr2-175618229-A-T.
Other names: c.853+2T>A (NM_001039523.3).
Identifiers: ClinVar variation 2756773 (VCV002756773.3), dbSNP rs1457407106, ClinGen allele CA349338622.
Genomic context (GRCh38, chr2:174,753,501, plus strand): 5'-CCCAAAATAGCAGCACGAGACCCATCAGCGTCAGCAGCAGCAGTCATGGCAACCACACCC[A>T]CCTGAGTCTGTGGGCAGGTAGAATACCAGGCCAGTTAAGAAGGAGAAGAGCAGGCAGGGG-3'